The following is an entry in ClinVar:

NM_012428.4(NPTN):c.475C>T (p.Arg159Ter)

Gene: NPTN (neuroplastin; minus strand). Cytogenetic location: 15q24.1.
Variant type: single nucleotide variant.
Coding change: c.475C>T on transcript NM_012428.4 (MANE Select); coding-DNA position 475, C replaced by T.
Protein change: p.Arg159Ter; replaces arginine 159 with a stop codon.
Molecular consequence: nonsense.
Genome position (GRCh38, 1-based): chr15:73,592,102, G>A on the plus strand (C>T on the coding strand, the complement: NPTN is on the minus strand). VCF-style: chr15-73592102-G-A. GRCh37 (hg19) VCF-style: chr15-73884443-G-A.
Other names: c.475C>T (NM_012428.3); c.475C>T, p.Arg159Ter (NM_001161363.2); c.127C>T, p.Arg43Ter (NM_001161364.2, NM_017455.4); short protein forms R159*, R43*.
Identifiers: ClinVar variation 4925817 (VCV004925817.2).

ClinVar aggregate classification (germline): Uncertain significance. Review status: criteria provided, multiple submitters, no conflicts (2 of 4 stars). 2 submissions from 2 submitters: Uncertain significance (2). Last evaluated 2025-03-17.

Submissions (2):

GeneDx
Classification: Uncertain significance. Last evaluated: 2025-03-17. Review status: criteria provided, single submitter. Criteria: GeneDx Variant Classification Process June 2021. Collection method: clinical testing. Allele origin: germline.
Comment: Not observed at significant frequency in large population cohorts (gnomAD); Nonsense variant predicted to result in protein truncation or nonsense mediated decay in a gene or region of a gene for which loss of function is not a well-established mechanism of disease; Has not been previously published as pathogenic or benign to our knowledge; Variants in candidate genes are classified as variants of uncertain significance in accordance with ACMG guidelines (PMID: 25741868)

Blueprint Genetics
Classification: Uncertain significance. Last evaluated: 2024-01-23. Review status: criteria provided, single submitter. Criteria: ACMG Guidelines, 2015. Collection method: clinical testing. Allele origin: germline.